The following is an entry in ClinVar:

ClinVar aggregate classification (germline): Uncertain significance (1 of 4 stars; one submission).

Submission:

Athena Diagnostics
Classification: Uncertain significance. Last evaluated: 2022-09-26. Review status: criteria provided, single submitter. Criteria: Athena Diagnostics Criteria. Collection method: clinical testing. Allele origin: unknown.
Comment: Available data are insufficient to determine the clinical significance of the variant at this time. This variant has not been reported in large, multi-ethnic general populations. Computational tools yielded predictions that this variant is unlikely to have an effect on normal RNA splicing.

NM_018075.5(ANO10):c.966G>A (p.Val322=)

Gene: ANO10 (anoctamin 10; minus strand). Cytogenetic location: 3p22.1.
Variant type: single nucleotide variant.
Coding change: c.966G>A on transcript NM_018075.5 (MANE Select); coding-DNA position 966, G replaced by A.
Protein change: p.Val322=; no amino-acid change (valine 322 retained).
Molecular consequence: synonymous variant. On other transcripts: intron variant (1).
Genome position (GRCh38, 1-based): chr3:43,576,888, C>T on the plus strand (G>A on the coding strand, the complement: ANO10 is on the minus strand). VCF-style: chr3-43576888-C-T. GRCh37 (hg19) VCF-style: chr3-43618380-C-T.
Other names: c.966G>A, p.Val322= (NM_001204831.3, NM_001346463.2, NM_001346464.2 and 3 more transcripts); c.768G>A, p.Val256= (NM_001204832.3, NM_001346466.2, NM_001346469.2); c.633G>A, p.Val211= (NM_001204833.3); c.593-2024G>A (NM_001204834.3).
Identifiers: ClinVar variation 2684294 (VCV002684294.1), dbSNP rs2529371661, ClinGen allele CA433567503.